The following is an entry in ClinVar:

ClinVar aggregate classification (germline): Uncertain significance (1 of 4 stars; one submission).

Conditions:
Hereditary nonpolyposis colorectal neoplasms. Identifiers: MedGen C0009405, MeSH D003123.

Submission:

Labcorp Genetics (formerly Invitae), Labcorp
Classification: Uncertain significance for Hereditary nonpolyposis colorectal neoplasms. Last evaluated: 2021-05-01. Review status: criteria provided, single submitter. Criteria: Invitae Variant Classification Sherloc (09022015). Collection method: clinical testing. Allele origin: germline.
Comment: In summary, the available evidence is currently insufficient to determine the role of this variant in disease. Therefore, it has been classified as a Variant of Uncertain Significance. Advanced modeling of protein sequence and biophysical properties (such as structural, functional, and spatial information, amino acid conservation, physicochemical variation, residue mobility, and thermodynamic stability) performed at Invitae indicates that this missense variant is not expected to disrupt PMS2 protein function. This variant has not been reported in the literature in individuals with PMS2-related conditions. This variant is not present in population databases (ExAC no frequency). This sequence change replaces isoleucine with phenylalanine at codon 508 of the PMS2 protein (p.Ile508Phe). The isoleucine residue is weakly conserved and there is a small physicochemical difference between isoleucine and phenylalanine.

NM_000535.7(PMS2):c.1522A>T (p.Ile508Phe)

Gene: PMS2 (PMS1 homolog 2, mismatch repair system component; minus strand). Cytogenetic location: 7p22.1.
Variant type: single nucleotide variant.
Coding change: c.1522A>T on transcript NM_000535.7 (MANE Select); coding-DNA position 1522, A replaced by T.
Protein change: p.Ile508Phe; replaces isoleucine 508 with phenylalanine.
Molecular consequence: missense variant. On other transcripts: non-coding transcript variant (1).
Genome position (GRCh38, 1-based): chr7:5,987,243, T>A on the plus strand (A>T on the coding strand, the complement: PMS2 is on the minus strand). VCF-style: chr7-5987243-T-A. GRCh37 (hg19) VCF-style: chr7-6026874-T-A.
Other names: c.1117A>T, p.Ile373Phe (NM_001322003.2, NM_001322004.2, NM_001322005.2 and 1 more transcripts); c.1366A>T, p.Ile456Phe (NM_001322006.2); c.1204A>T, p.Ile402Phe (NM_001322007.2, NM_001322008.2); c.961A>T, p.Ile321Phe (NM_001322010.2); c.589A>T, p.Ile197Phe (NM_001322011.2, NM_001322012.2); c.949A>T, p.Ile317Phe (NM_001322013.2); c.1522A>T, p.Ile508Phe (NM_001322014.2); c.1213A>T, p.Ile405Phe (NM_001322015.2); short protein forms I197F, I373F, I402F, I508F, I321F, I405F, I456F, I317F.
Identifiers: ClinVar variation 1463434 (VCV001463434.8), dbSNP rs63750272, ClinGen allele CA366741682.